The following is an entry in ClinVar:

ClinVar aggregate classification (germline): Uncertain significance. Review status: criteria provided, multiple submitters, no conflicts (2 of 4 stars). 2 submissions from 2 submitters: Uncertain significance (2). Last evaluated 2024-10-05.

Conditions:
Hereditary cancer-predisposing syndrome. Also called: Hereditary neoplastic syndrome; Tumor predisposition; Neoplastic Syndromes, Hereditary; Hereditary Cancer Syndrome. Identifiers: Orphanet 140162, MedGen C0027672, MeSH D009386, MONDO:0015356.
Tuberous sclerosis 2 (TSC2). Identifiers: Orphanet 805, MedGen C1860707, MONDO:0013199, OMIM 613254.

Allele frequency attached by ClinVar (database versions not stated): gnomAD exomes below 0.00001.
gnomAD v4.1: 1 of 1,611,762 alleles (0.000062%); highest among the groups gnomAD compares: South Asian, 0.0011%; no homozygotes.

Submissions (2):

Ambry Genetics
Classification: Uncertain significance for Hereditary cancer-predisposing syndrome. Last evaluated: 2024-10-05. Review status: criteria provided, single submitter. Criteria: Ambry Variant Classification Scheme 2023. Collection method: clinical testing. Allele origin: germline.
Comment: The p.I1397N variant (also known as c.4190T>A), located in coding exon 33 of the TSC2 gene, results from a T to A substitution at nucleotide position 4190. The isoleucine at codon 1397 is replaced by asparagine, an amino acid with dissimilar properties. This amino acid position is conserved. In addition, the in silico prediction for this alteration is inconclusive. Based on the available evidence, the clinical significance of this variant remains unclear.

Labcorp Genetics (formerly Invitae), Labcorp
Classification: Uncertain significance for Tuberous sclerosis 2. Last evaluated: 2024-06-30. Review status: criteria provided, single submitter. Criteria: Invitae Variant Classification Sherloc (09022015). Collection method: clinical testing. Allele origin: germline.
Comment: This sequence change replaces isoleucine, which is neutral and non-polar, with asparagine, which is neutral and polar, at codon 1397 of the TSC2 protein (p.Ile1397Asn). This variant is not present in population databases (gnomAD no frequency). This variant has not been reported in the literature in individuals affected with TSC2-related conditions. ClinVar contains an entry for this variant (Variation ID: 856603). Advanced modeling of protein sequence and biophysical properties (such as structural, functional, and spatial information, amino acid conservation, physicochemical variation, residue mobility, and thermodynamic stability) performed at Invitae indicates that this missense variant is not expected to disrupt TSC2 protein function with a negative predictive value of 95%. In summary, the available evidence is currently insufficient to determine the role of this variant in disease. Therefore, it has been classified as a Variant of Uncertain Significance.

NM_000548.5(TSC2):c.4190T>A (p.Ile1397Asn)

Gene: TSC2 (TSC complex subunit 2; plus strand). Cytogenetic location: 16p13.3.
Variant type: single nucleotide variant.
Coding change: c.4190T>A on transcript NM_000548.5 (MANE Select); coding-DNA position 4190, T replaced by A.
Protein change: p.Ile1397Asn; replaces isoleucine 1397 with asparagine.
Molecular consequence: missense variant.
Genome position (GRCh38, 1-based): chr16:2,084,412, T>A. VCF-style: chr16-2084412-T-A. GRCh37 (hg19) VCF-style: chr16-2134413-T-A.
Other names: c.3989T>A, p.Ile1330Asn (NM_001077183.3); c.4121T>A, p.Ile1374Asn (NM_001114382.3); c.3881T>A, p.Ile1294Asn (NM_001318827.2); c.3845T>A, p.Ile1282Asn (NM_001318829.2); c.3458T>A, p.Ile1153Asn (NM_001318831.2); c.4022T>A, p.Ile1341Asn (NM_001318832.2); c.3992T>A, p.Ile1331Asn (NM_001363528.2); c.4058T>A, p.Ile1353Asn (NM_001370404.1); and 1 more; short protein forms I1282N, I1330N, I1331N, I1354N, I1294N, I1341N, I1353N, I1374N.
Identifiers: ClinVar variation 856603 (VCV000856603.9), dbSNP rs2090503435, ClinGen allele CA394299834.